The following is an entry in ClinVar:

NM_001127898.4(CLCN5):c.819= (p.Ser273=)

Gene: CLCN5 (Cl-/H+ antiporter 5; plus strand). Cytogenetic location: Xp11.23.
Variant type: single nucleotide variant.
Coding change: c.819= on transcript NM_001127898.4 (MANE Select); coding-DNA position 819, no change from the reference sequence.
Protein change: p.Ser273=; no amino-acid change (serine 273 retained).
Molecular consequence: no sequence alteration.
Genome position: GRCh38 VCF-style: chrX-50081733-A-A. GRCh37 (hg19) VCF-style: chrX-49846390-G-A.
Other names: c.609=, p.Ser203= (NM_000084.5); c.819=, p.Ser273= (NM_001127899.4); c.669=, p.Ser223= (NM_001282163.2); c.609= (NM_000084.4).
Identifiers: ClinVar variation 368476 (VCV000368476.17), dbSNP rs34464675.

ClinVar aggregate classification (germline): Benign/Likely benign. Review status: criteria provided, multiple submitters, no conflicts (2 of 4 stars). 5 submissions from 5 submitters: Benign (3); Likely benign (2). Last evaluated 2026-02-01.

Conditions:
Dent disease type 1 (DENT1). Also called: NEPHROLITHIASIS 2; NEPHROLITHIASIS, HYPERCALCIURIC, X-LINKED. Identifiers: Orphanet 1652, Orphanet 93622, MedGen C1848336, MONDO:0010225, OMIM 300009.

Allele frequency attached by ClinVar (database versions not stated): TOPMed 0.01019; 1000 Genomes Project 30x 0.01270.

Submissions (5):

Labcorp Genetics (formerly Invitae), Labcorp
Classification: Benign. Last evaluated: 2026-02-01. Review status: criteria provided, single submitter. Criteria: Invitae Variant Classification Sherloc (09022015). Collection method: clinical testing. Allele origin: germline.

ARUP Laboratories, Molecular Genetics and Genomics, ARUP Laboratories
Classification: Benign. Last evaluated: 2023-03-16. Review status: criteria provided, single submitter. Criteria: ARUP Molecular Germline Variant Investigation Process 2024. Collection method: clinical testing. Allele origin: germline.

GeneDx
Classification: Likely benign. Last evaluated: 2020-10-08. Review status: criteria provided, single submitter. Criteria: GeneDx Variant Classification Process June 2021. Collection method: clinical testing. Allele origin: germline. Affected: yes.

Illumina Laboratory Services, Illumina
Classification: Benign for Dent disease type 1. Last evaluated: 2018-01-12. Review status: criteria provided, single submitter. Criteria: ICSL Variant Classification Criteria 13 December 2019. Collection method: clinical testing. Allele origin: germline.
Comment: This variant was observed in the ICSL laboratory as part of a predisposition screen in an ostensibly healthy population. It had not been previously curated by ICSL or reported in the Human Gene Mutation Database (HGMD: prior to June 1st, 2018), and was therefore a candidate for classification through an automated scoring system. Utilizing variant allele frequency, disease prevalence and penetrance estimates, and inheritance mode, an automated score was calculated to assess if this variant is too frequent to cause the disease. Based on the score and internal cut-off values, a variant classified as benign is not then subjected to further curation. The score for this variant resulted in a classification of benign for this disease.

Breakthrough Genomics
Classification: Likely benign. Review status: criteria provided, single submitter. Criteria: ACMG Guidelines, 2015. Collection method: not provided. Allele origin: germline. Inheritance: X-linked inheritance. Affected: yes.